The following is an entry in ClinVar:

NM_003722.5(TP63):c.1270A>T (p.Met424Leu)

Gene: TP63 (tumor protein p63; plus strand). Cytogenetic location: 3q28.
Variant type: single nucleotide variant.
Coding change: c.1270A>T on transcript NM_003722.5 (MANE Select); coding-DNA position 1270, A replaced by T.
Protein change: p.Met424Leu; replaces methionine 424 with leucine.
Molecular consequence: missense variant.
Genome position (GRCh38, 1-based): chr3:189,872,916, A>T. VCF-style: chr3-189872916-A-T. GRCh37 (hg19) VCF-style: chr3-189590705-A-T.
Other names: c.1270A>T, p.Met424Leu (NM_001114978.2, NM_001114979.2, NM_001329144.2); c.988A>T, p.Met330Leu (NM_001114980.2, NM_001114981.2, NM_001114982.2 and 1 more transcripts); c.733A>T, p.Met245Leu (NM_001329146.2); c.1258A>T, p.Met420Leu (NM_001329148.2); c.976A>T, p.Met326Leu (NM_001329149.2); c.721A>T, p.Met241Leu (NM_001329150.2); c.1264A>T, p.Met422Leu (NM_001329964.2); short protein forms M241L, M245L, M326L, M330L, M420L, M422L, M424L.
Identifiers: ClinVar variation 4882093 (VCV004882093.2).

ClinVar aggregate classification (germline): Uncertain significance (1 of 4 stars; one submission).

Submission:

Dasa
Classification: Uncertain significance. Last evaluated: 2025-09-24. Review status: criteria provided, single submitter. Criteria: DASA Assertion Criteria. Collection method: clinical testing. Allele origin: germline.
Comment: NM_003722.5(TP63):c.1270A>T (p.Met424Leu) is a missense variant that results in the substitution of methionine with leucine. This variant is absent from population databases. The currently available literature and clinical evidence are not sufficient to establish a definitive association between this variant and the reported condition. Therefore, this variant is classified as a variant of uncertain significance.